The following is an entry in ClinVar:

ClinVar aggregate classification (germline): Uncertain significance. Review status: criteria provided, multiple submitters, no conflicts (2 of 4 stars). 5 submissions from 5 submitters: Uncertain significance (4). 1 of the submissions does not count toward it. Last evaluated 2025-08-21.

Conditions:
Glutaric acidemia type 2A.
Inborn genetic diseases. Identifiers: MedGen C0950123, MeSH D030342.
Multiple acyl-CoA dehydrogenase deficiency (MADD). Also called: Glutaric Acidemia type 2; ETHYLMALONIC-ADIPICACIDURIA; GA II; Glutaric acidemia type II; GA 2; Glutaric aciduria, type 2. Identifiers: Orphanet 26791, MedGen C0268596, MONDO:0009282, OMIM 231680.

Allele frequency attached by ClinVar (database versions not stated): gnomAD exomes 0.00001 and 0.00003; ExAC 0.00003; gnomAD 0.00007 and 0.00008; TOPMed 0.00011; ESP Exome Variant Server 0.00015.
gnomAD v4.1: 24 of 1,613,474 alleles (0.0015%); highest among the groups gnomAD compares: African/African-American, 0.024%; no homozygotes.

Submissions (5):

Ambry Genetics
Classification: Uncertain significance for Inborn genetic diseases. Last evaluated: 2025-08-21. Review status: criteria provided, single submitter. Criteria: Ambry Variant Classification Scheme 2023. Collection method: clinical testing. Allele origin: germline.

Labcorp Genetics (formerly Invitae), Labcorp
Classification: Uncertain significance for Multiple acyl-CoA dehydrogenase deficiency. Last evaluated: 2025-03-17. Review status: criteria provided, single submitter. Criteria: Invitae Variant Classification Sherloc (09022015). Collection method: clinical testing. Allele origin: germline.
Comment: This sequence change replaces arginine, which is basic and polar, with cysteine, which is neutral and slightly polar, at codon 169 of the ETFA protein (p.Arg169Cys). This variant is present in population databases (rs369713466, gnomAD 0.03%). This variant has not been reported in the literature in individuals affected with ETFA-related conditions. ClinVar contains an entry for this variant (Variation ID: 1044726). Invitae Evidence Modeling of protein sequence and biophysical properties (such as structural, functional, and spatial information, amino acid conservation, physicochemical variation, residue mobility, and thermodynamic stability) indicates that this missense variant is expected to disrupt ETFA protein function with a positive predictive value of 80%. In summary, the available evidence is currently insufficient to determine the role of this variant in disease. Therefore, it has been classified as a Variant of Uncertain Significance.

ARUP Laboratories, Molecular Genetics and Genomics, ARUP Laboratories
Classification: Uncertain significance for Multiple acyl-CoA dehydrogenase deficiency. Last evaluated: 2022-10-21. Review status: criteria provided, single submitter. Criteria: ARUP Molecular Germline Variant Investigation Process 2021. Collection method: clinical testing. Allele origin: germline.
Comment: The ETFA c.505C>T; p.Arg169Cys variant (rs369713466), to our knowledge, is not reported in the medical literature but is reported in ClinVar (Variation ID: 1044726). This variant is found in the general population with an overall allele frequency of 0.004% (10/282714 alleles) in the Genome Aggregation Database. The arginine at codon 169 is highly conserved, and computational analyses predict that this variant is deleterious (REVEL: 0.913). Due to limited information, the clinical significance of this variant is uncertain at this time.

Juno Genomics, Hangzhou Juno Genomics, Inc
Classification: Uncertain significance for Multiple acyl-CoA dehydrogenase deficiency. Review status: criteria provided, single submitter. Criteria: ACMG Guidelines, 2015. Collection method: clinical testing. Allele origin: germline.
Comment: Absent from controls (or at extremely low frequency if recessive) in Genome Aggregation Database.;Multiple lines of computational evidence support a deleterious effect on the gene or gene product.

Natera, Inc.
Classification: Uncertain significance for Glutaric acidemia type 2A. Last evaluated: 2020-07-15. Review status: no assertion criteria provided. Collection method: clinical testing. Allele origin: germline. Not counted in ClinVar's aggregate classification.

NM_000126.4(ETFA):c.505C>T (p.Arg169Cys)

Gene: ETFA (electron transfer flavoprotein subunit alpha; minus strand). Cytogenetic location: 15q24.2.
Variant type: single nucleotide variant.
Coding change: c.505C>T on transcript NM_000126.4 (MANE Select); coding-DNA position 505, C replaced by T.
Protein change: p.Arg169Cys; replaces arginine 169 with cysteine.
Molecular consequence: missense variant.
Genome position (GRCh38, 1-based): chr15:76,286,428, G>A on the plus strand (C>T on the coding strand, the complement: ETFA is on the minus strand). VCF-style: chr15-76286428-G-A. GRCh37 (hg19) VCF-style: chr15-76578769-G-A.
Other names: c.505C>T (NM_000126.3); c.358C>T, p.Arg120Cys (NM_001127716.2); short protein forms R169C, R120C.
Identifiers: ClinVar variation 1044726 (VCV001044726.13), dbSNP rs369713466, ClinGen allele CA7673744.